The following is an entry in ClinVar:

ClinVar aggregate classification (germline): Uncertain significance. Review status: criteria provided, multiple submitters, no conflicts (2 of 4 stars). 2 submissions from 2 submitters: Uncertain significance (2). Last evaluated 2023-10-31.

Conditions:
Hereditary cancer-predisposing syndrome. Also called: Tumor predisposition; Hereditary neoplastic syndrome; Neoplastic Syndromes, Hereditary; Hereditary Cancer Syndrome. Identifiers: Orphanet 140162, MedGen C0027672, MeSH D009386, MONDO:0015356.
Hereditary breast ovarian cancer syndrome. Also called: Breast and ovarian cancer; BRCA1- and BRCA2-Associated Hereditary Breast and Ovarian Cancer; Hereditary breast and ovarian cancer; Hereditary breast and ovarian cancer syndrome (HBOC); Hereditary breast and/or ovarian cancer syndrome; Hereditary breast and ovarian cancer syndrome. Identifiers: Orphanet 145, MedGen C0677776, MeSH D061325, MONDO:0003582. Disease mechanism: loss of function.

Submissions (2):

Color Diagnostics, LLC DBA Color Health
Classification: Uncertain significance for Hereditary cancer-predisposing syndrome. Last evaluated: 2023-10-31. Review status: criteria provided, single submitter. Criteria: ACMG Guidelines, 2015. Collection method: clinical testing. Allele origin: germline.
Comment: This missense variant replaces aspartic acid with asparagine at codon 3261 of the BRCA2 protein. Computational prediction suggests that this variant may not impact protein structure and function (internally defined REVEL score threshold <= 0.5, PMID: 27666373). To our knowledge, functional studies have not been reported for this variant. This variant has been reported in an individual affected with breast cancer (PMID: 35402282). This variant has not been identified in the general population by the Genome Aggregation Database (gnomAD). The available evidence is insufficient to determine the role of this variant in disease conclusively. Therefore, this variant is classified as a Variant of Uncertain Significance.

Labcorp Genetics (formerly Invitae), Labcorp
Classification: Uncertain significance for Hereditary breast ovarian cancer syndrome. Last evaluated: 2022-08-31. Review status: criteria provided, single submitter. Criteria: Invitae Variant Classification Sherloc (09022015). Collection method: clinical testing. Allele origin: germline.
Comment: This sequence change replaces aspartic acid, which is acidic and polar, with asparagine, which is neutral and polar, at codon 3261 of the BRCA2 protein (p.Asp3261Asn). This variant is not present in population databases (gnomAD no frequency). This variant has not been reported in the literature in individuals affected with BRCA2-related conditions. ClinVar contains an entry for this variant (Variation ID: 856421). Advanced modeling of protein sequence and biophysical properties (such as structural, functional, and spatial information, amino acid conservation, physicochemical variation, residue mobility, and thermodynamic stability) performed at Invitae indicates that this missense variant is not expected to disrupt BRCA2 protein function. In summary, the available evidence is currently insufficient to determine the role of this variant in disease. Therefore, it has been classified as a Variant of Uncertain Significance.

Literature cited by the submitters: PubMed 35402282 (cited by Color Diagnostics, LLC DBA Color Health).

NM_000059.4(BRCA2):c.9781G>A (p.Asp3261Asn)

Gene: BRCA2 (BRCA2 DNA repair associated; plus strand). Cytogenetic location: 13q13.1.
Variant type: single nucleotide variant.
Coding change: c.9781G>A on transcript NM_000059.4 (MANE Select); coding-DNA position 9781, G replaced by A.
Protein change: p.Asp3261Asn; replaces aspartic acid 3261 with asparagine.
Molecular consequence: missense variant.
Genome position (GRCh38, 1-based): chr13:32,398,294, G>A. VCF-style: chr13-32398294-G-A. GRCh37 (hg19) VCF-style: chr13-32972431-G-A.
Other names: short protein forms D3261N.
Identifiers: ClinVar variation 856421 (VCV000856421.9), dbSNP rs2073050972, ClinGen allele CA387765906.